The following is an entry in ClinVar:

ClinVar aggregate classification (germline): Uncertain significance (1 of 4 stars; one submission).

Submission:

GeneDx
Classification: Uncertain significance. Last evaluated: 2023-12-24. Review status: criteria provided, single submitter. Criteria: GeneDx Variant Classification Process June 2021. Collection method: clinical testing. Allele origin: germline. Affected: yes.
Comment: Not observed at significant frequency in large population cohorts (gnomAD); In silico analysis supports that this missense variant does not alter protein structure/function; Has not been previously published as pathogenic or benign to our knowledge

NM_017934.7(PHIP):c.1084G>C (p.Glu362Gln)

Gene: PHIP (pleckstrin homology domain interacting protein; minus strand). Cytogenetic location: 6q14.1.
Variant type: single nucleotide variant.
Coding change: c.1084G>C on transcript NM_017934.7 (MANE Select); coding-DNA position 1084, G replaced by C.
Protein change: p.Glu362Gln; replaces glutamic acid 362 with glutamine.
Molecular consequence: missense variant.
Genome position (GRCh38, 1-based): chr6:79,017,494, C>G on the plus strand (G>C on the coding strand, the complement: PHIP is on the minus strand). VCF-style: chr6-79017494-C-G. GRCh37 (hg19) VCF-style: chr6-79727211-C-G.
Other names: short protein forms E362Q.
Identifiers: ClinVar variation 3370120 (VCV003370120.1).